The following is an entry in ClinVar:

ClinVar aggregate classification (germline): Uncertain significance (1 of 4 stars; one submission).

Conditions:
Lethal congenital glycogen storage disease of heart. Also called: GLYCOGEN STORAGE DISEASE OF HEART; PHOSPHORYLASE KINASE DEFICIENCY OF HEART. Identifiers: Orphanet 439854, MedGen C1849813, MONDO:0009867, OMIM 261740.

Submission:

Labcorp Genetics (formerly Invitae), Labcorp
Classification: Uncertain significance for Lethal congenital glycogen storage disease of heart. Last evaluated: 2023-10-03. Review status: criteria provided, single submitter. Criteria: Invitae Variant Classification Sherloc (09022015). Collection method: clinical testing. Allele origin: germline.
Comment: This sequence change replaces serine, which is neutral and polar, with alanine, which is neutral and non-polar, at codon 195 of the PRKAG2 protein (p.Ser195Ala). This variant is not present in population databases (gnomAD no frequency). This variant has not been reported in the literature in individuals affected with PRKAG2-related conditions. ClinVar contains an entry for this variant (Variation ID: 1056487). Advanced modeling of protein sequence and biophysical properties (such as structural, functional, and spatial information, amino acid conservation, physicochemical variation, residue mobility, and thermodynamic stability) performed at Invitae indicates that this missense variant is not expected to disrupt PRKAG2 protein function. In summary, the available evidence is currently insufficient to determine the role of this variant in disease. Therefore, it has been classified as a Variant of Uncertain Significance.

NM_016203.4(PRKAG2):c.583T>G (p.Ser195Ala)

Gene: PRKAG2 (protein kinase AMP-activated non-catalytic subunit gamma 2; minus strand). Cytogenetic location: 7q36.1.
Variant type: single nucleotide variant.
Coding change: c.583T>G on transcript NM_016203.4 (MANE Select); coding-DNA position 583, T replaced by G.
Protein change: p.Ser195Ala; replaces serine 195 with alanine.
Molecular consequence: missense variant.
Genome position (GRCh38, 1-based): chr7:151,675,521, A>C on the plus strand (T>G on the coding strand, the complement: PRKAG2 is on the minus strand). VCF-style: chr7-151675521-A-C. GRCh37 (hg19) VCF-style: chr7-151372607-A-C.
Other names: c.451T>G, p.Ser151Ala (NM_001040633.2); c.211T>G, p.Ser71Ala (NM_001304527.2, NM_001363698.2); short protein forms S151A, S195A, S71A.
Identifiers: ClinVar variation 1056487 (VCV001056487.9), dbSNP rs2151477004, ClinGen allele CA370187662.
Genomic context (GRCh38, chr7:151,675,521, plus strand): 5'-GCCTGGTCGGGCTCTGGAAGGAAGACGGGCAGAACCTCTGCCCTGTGTCCGGGGGGGAAG[A>C]CGAGGCATAGATGCGATTCTCTAACCGTTCAGGCTCGTGCTTATAGGATTCCAGGGGAAA-3'
Protein context (NP_057287.2, residues 185-205): ERLENRIYAS[Ser195Ala]SPPDTGQRFC